The following is an entry in ClinVar:

NM_017780.4(CHD7):c.8193C>G (p.Ala2731=)

Gene: CHD7 (chromodomain helicase DNA binding protein 7; plus strand). Cytogenetic location: 8q12.2.
Variant type: single nucleotide variant.
Coding change: c.8193C>G on transcript NM_017780.4 (MANE Select); coding-DNA position 8193, C replaced by G.
Protein change: p.Ala2731=; no amino-acid change (alanine 2731 retained).
Molecular consequence: synonymous variant.
Genome position (GRCh38, 1-based): chr8:60,865,132, C>G. VCF-style: chr8-60865132-C-G. GRCh37 (hg19) VCF-style: chr8-61777691-C-G.
Other names: c.2046C>G, p.Ala682= (NM_001316690.1).
Identifiers: ClinVar variation 4534386 (VCV004534386.6).

ClinVar aggregate classification (germline): Likely benign (1 of 4 stars; one submission).

gnomAD v4.1: 2 of 1,611,504 alleles (0.00012%); highest among the groups gnomAD compares: Middle Eastern, 0.017%; no homozygotes.

Submission:

CeGaT Center for Human Genetics Tuebingen
Classification: Likely benign. Last evaluated: 2025-11-01. Review status: criteria provided, single submitter. Criteria: CeGaT Center For Human Genetics Tuebingen Variant Classification Criteria Version 2. Collection method: clinical testing. Allele origin: germline. Affected: yes. Observed: 1 variant allele.
Comment: CHD7: BP4, BP7